The following is an entry in ClinVar:

ClinVar aggregate classification (germline): Uncertain significance (1 of 4 stars; one submission).

Conditions:
Familial sleep-related hypermotor epilepsy. Also called: Autosomal Dominant Sleep-Related Hypermotor (Hyperkinetic) Epilepsy. Identifiers: Orphanet 98784, MedGen C3696898, MONDO:0000030.

Submission:

Labcorp Genetics (formerly Invitae), Labcorp
Classification: Uncertain significance. Last evaluated: 2021-11-25. Review status: criteria provided, single submitter. Criteria: Invitae Variant Classification Sherloc (09022015). Collection method: clinical testing. Allele origin: germline.
Comment: This variant has not been reported in the literature in individuals affected with CHRNA4-related conditions. Algorithms developed to predict the effect of missense changes on protein structure and function output the following: SIFT: "Tolerated"; PolyPhen-2: "Benign"; Align-GVGD: "Class C0". The aspartic acid amino acid residue is found in multiple mammalian species, which suggests that this missense change does not adversely affect protein function. In summary, the available evidence is currently insufficient to determine the role of this variant in disease. Therefore, it has been classified as a Variant of Uncertain Significance. This variant is not present in population databases (gnomAD no frequency). This sequence change replaces glutamic acid, which is acidic and polar, with aspartic acid, which is acidic and polar, at codon 205 of the CHRNA4 protein (p.Glu205Asp).

NM_000744.7(CHRNA4):c.615G>C (p.Glu205Asp)

Gene: CHRNA4 (cholinergic receptor nicotinic alpha 4 subunit; minus strand). Cytogenetic location: 20q13.33.
Variant type: single nucleotide variant.
Coding change: c.615G>C on transcript NM_000744.7 (MANE Select); coding-DNA position 615, G replaced by C.
Protein change: p.Glu205Asp; replaces glutamic acid 205 with aspartic acid.
Molecular consequence: missense variant. On other transcripts: non-coding transcript variant (1).
Genome position (GRCh38, 1-based): chr20:63,350,796, C>G on the plus strand (G>C on the coding strand, the complement: CHRNA4 is on the minus strand). VCF-style: chr20-63350796-C-G. GRCh37 (hg19) VCF-style: chr20-61982148-C-G.
Other names: c.87G>C, p.Glu29Asp (NM_001256573.2); short protein forms E29D, E205D.
Identifiers: ClinVar variation 1515248 (VCV001515248.6), dbSNP rs2123472933, ClinGen allele CA409637554.